The following is an entry in ClinVar:

NM_002661.5(PLCG2):c.57G>A (p.Lys19=)

Gene: PLCG2 (phospholipase C gamma 2; plus strand). Cytogenetic location: 16q23.3.
Variant type: single nucleotide variant.
Coding change: c.57G>A on transcript NM_002661.5 (MANE Select); coding-DNA position 57, G replaced by A.
Protein change: p.Lys19=; no amino-acid change (lysine 19 retained).
Molecular consequence: synonymous variant.
Genome position (GRCh38, 1-based): chr16:81,786,046, G>A. VCF-style: chr16-81786046-G-A. GRCh37 (hg19) VCF-style: chr16-81819651-G-A.
Identifiers: ClinVar variation 540118 (VCV000540118.40), dbSNP rs369542354, ClinGen allele CA8193013.
Genomic context (GRCh38, chr16:81,786,046, plus strand): 5'-GACAATGTCCACCACGGTCAATGTAGATTCCCTTGCGGAATATGAGAAGAGCCAGATCAA[G>A]AGAGCCCTGGAGCTGGGGACGGTGATGACTGTGTTCAGCTTCCGCAAGTCCACCCCCGAG-3'
Protein context (NP_002652.2, residues 9-29): SLAEYEKSQI[Lys19=]RALELGTVMT

ClinVar aggregate classification (germline): Benign/Likely benign. Review status: criteria provided, multiple submitters, no conflicts (2 of 4 stars). 6 submissions from 6 submitters: Benign (3); Likely benign (3). Last evaluated 2026-06-25.

Conditions:
Familial cold autoinflammatory syndrome 3 (FCAS3). Also called: FAMILIAL ATYPICAL COLD URTICARIA; ANTIBODY DEFICIENCY AND IMMUNE DYSREGULATION, PLCG2-ASSOCIATED. Identifiers: Orphanet 300359, MedGen C3280914, MONDO:0013766, OMIM 614468.
Autoinflammation-PLCG2-associated antibody deficiency-immune dysregulation. Also called: Autoinflammation, antibody deficiency, and immune dysregulation, plcg2-associated; AUTOINFLAMMATION, ANTIBODY DEFICIENCY, AND IMMUNE DYSREGULATION; Autoinflammation, antibody deficiency, and immune dysregulation syndrome. Identifiers: Orphanet 324530, MedGen C3553961, MONDO:0013944, OMIM 614878.
PLCG2-related disorder. Also called: PLCG2-related condition.

Allele frequency attached by ClinVar (database versions not stated): ESP Exome Variant Server 0.00016; TOPMed 0.00031; gnomAD exomes 0.00038 and 0.00053; ExAC 0.00048; gnomAD 0.00051 and 0.00055.
gnomAD v4.1: 620 of 1,614,080 alleles (0.038%); highest among the groups gnomAD compares: Non-Finnish European, 0.04%; 1 homozygote.

Submissions (6):

PreventionGenetics, part of Exact Sciences
Classification: Likely benign for PLCG2-related condition. Last evaluated: 2026-06-25. Review status: criteria provided, single submitter. Criteria: ACMG Guidelines, 2015. Collection method: clinical testing. Allele origin: germline.
Comment: This variant is classified as likely benign based on ACMG/AMP sequence variant interpretation guidelines (Richards et al. 2015 PMID: 25741868, with internal and published modifications).

Women's Health and Genetics/Laboratory Corporation of America, LabCorp
Classification: Benign. Last evaluated: 2026-01-23. Review status: criteria provided, single submitter. Criteria: LabCorp Variant Classification Summary - May 2015. Collection method: clinical testing. Allele origin: germline.

Labcorp Genetics (formerly Invitae), Labcorp
Classification: Benign for Familial cold autoinflammatory syndrome 3. Last evaluated: 2026-01-15. Review status: criteria provided, single submitter. Criteria: Invitae Variant Classification Sherloc (09022015). Collection method: clinical testing. Allele origin: germline.

Blueprint Genetics
Classification: Likely benign. Last evaluated: 2024-11-25. Review status: criteria provided, single submitter. Criteria: ACMG Guidelines, 2015. Collection method: clinical testing. Allele origin: germline.

CeGaT Center for Human Genetics Tuebingen
Classification: Benign. Last evaluated: 2023-12-01. Review status: criteria provided, single submitter. Criteria: CeGaT Center For Human Genetics Tuebingen Variant Classification Criteria Version 2. Collection method: clinical testing. Allele origin: germline. Affected: yes. Observed: 2 variant alleles.
Comment: PLCG2: BP4, BS1, BS2

Fulgent Genetics
Classification: Likely benign for Familial cold autoinflammatory syndrome 3; Autoinflammation-PLCG2-associated antibody deficiency-immune dysregulation. Last evaluated: 2021-10-18. Review status: criteria provided, single submitter. Criteria: ACMG Guidelines, 2015. Collection method: clinical testing. Allele origin: unknown.